The following is an entry in ClinVar:

ClinVar aggregate classification (germline): Uncertain significance (1 of 4 stars; one submission).

gnomAD v4.1: 2 of 1,613,720 alleles (0.00012%); highest among the groups gnomAD compares: East Asian, 0.0045%; no homozygotes.

Submission:

Ambry Genetics
Classification: Uncertain significance. Last evaluated: 2026-08-08. Review status: criteria provided, single submitter. Criteria: Ambry Variant Classification Scheme 2023. Collection method: clinical testing. Allele origin: germline.
Comment: The p.S503A variant (also known as c.1507T>G), located in coding exon 2 of the CDK12 gene, results from a T to G substitution at nucleotide position 1507. The serine at codon 503 is replaced by alanine, an amino acid with similar properties. This amino acid position is conserved. In addition, this alteration is predicted to be tolerated by in silico analysis. Based on the available evidence, the clinical significance of this variant remains unclear.

NM_016507.4(CDK12):c.1507T>G (p.Ser503Ala)

Gene: CDK12 (cyclin dependent kinase 12; plus strand). Cytogenetic location: 17q12.
Variant type: single nucleotide variant.
Coding change: c.1507T>G on transcript NM_016507.4 (MANE Select); coding-DNA position 1507, T replaced by G.
Protein change: p.Ser503Ala; replaces serine 503 with alanine.
Molecular consequence: missense variant.
Genome position (GRCh38, 1-based): chr17:39,471,339, T>G. VCF-style: chr17-39471339-T-G. GRCh37 (hg19) VCF-style: chr17-37627592-T-G.
Other names: c.1507T>G, p.Ser503Ala (NM_015083.4); short protein forms S503A.
Identifiers: ClinVar variation 5034140 (VCV005034140.1).